The following is an entry in ClinVar:

ClinVar aggregate classification (germline): Uncertain significance (1 of 4 stars; one submission).

Conditions:
Hereditary cancer-predisposing syndrome. Also called: Hereditary neoplastic syndrome; Neoplastic Syndromes, Hereditary; Tumor predisposition; Hereditary Cancer Syndrome. Identifiers: Orphanet 140162, MedGen C0027672, MeSH D009386, MONDO:0015356.

Submission:

Ambry Genetics
Classification: Uncertain significance for Hereditary cancer-predisposing syndrome. Last evaluated: 2026-05-05. Review status: criteria provided, single submitter. Criteria: Ambry Variant Classification Scheme 2023. Collection method: clinical testing. Allele origin: germline.
Comment: The p.V481M variant (also known as c.1441G>A), located in coding exon 10 of the PTCH1 gene, results from a G to A substitution at nucleotide position 1441. The valine at codon 481 is replaced by methionine, an amino acid with highly similar properties. This amino acid position is highly conserved in available vertebrate species. In addition, this alteration is predicted to be deleterious by in silico analysis. Based on the available evidence, the clinical significance of this variant remains unclear.

NM_000264.5(PTCH1):c.1441G>A (p.Val481Met)

Gene: PTCH1 (patched 1; minus strand). Cytogenetic location: 9q22.32.
Variant type: single nucleotide variant.
Coding change: c.1441G>A on transcript NM_000264.5 (MANE Select); coding-DNA position 1441, G replaced by A.
Protein change: p.Val481Met; replaces valine 481 with methionine.
Molecular consequence: missense variant. On other transcripts: non-coding transcript variant (1), intron variant (1).
Genome position (GRCh38, 1-based): chr9:95,477,609, C>T on the plus strand (G>A on the coding strand, the complement: PTCH1 is on the minus strand). VCF-style: chr9-95477609-C-T. GRCh37 (hg19) VCF-style: chr9-98239891-C-T.
Other names: c.1243G>A, p.Val415Met (NM_001083602.3); c.1438G>A, p.Val480Met (NM_001083603.3); c.988G>A, p.Val330Met (NM_001083604.3, NM_001083605.3, NM_001083606.3 and 1 more transcripts); c.1347+446G>A (NM_001354918.2); short protein forms V480M, V481M, V415M, V330M.
Identifiers: ClinVar variation 4845068 (VCV004845068.2).